The following is an entry in ClinVar:

ClinVar aggregate classification (germline): Uncertain significance. Review status: criteria provided, multiple submitters, no conflicts (2 of 4 stars). 4 submissions from 4 submitters: Uncertain significance (4). Last evaluated 2023-04-11.

Conditions:
Developmental and epileptic encephalopathy, 18 (DEE18). Also called: Early infantile epileptic encephalopathy 18. Identifiers: Orphanet 369894, MedGen C3809624, MONDO:0014201, OMIM 615476.
Inborn genetic diseases. Identifiers: MedGen C0950123, MeSH D030342.

gnomAD v4.1: 1 of 1,598,112 alleles (0.000063%); no homozygotes.

Submissions (4):

Genome-Nilou Lab
Classification: Uncertain significance for Developmental and epileptic encephalopathy, 18. Last evaluated: 2023-04-11. Review status: criteria provided, single submitter. Criteria: ACMG Guidelines, 2015. Collection method: clinical testing. Allele origin: germline. Affected: no.

Labcorp Genetics (formerly Invitae), Labcorp
Classification: Uncertain significance. Last evaluated: 2021-08-28. Review status: criteria provided, single submitter. Criteria: Invitae Variant Classification Sherloc (09022015). Collection method: clinical testing. Allele origin: germline.
Comment: This sequence change replaces arginine with glycine at codon 224 of the SZT2 protein (p.Arg224Gly). The arginine residue is weakly conserved and there is a moderate physicochemical difference between arginine and glycine. This variant is not present in population databases (ExAC no frequency). This variant has not been reported in the literature in individuals affected with SZT2-related conditions. ClinVar contains an entry for this variant (Variation ID: 588750). Algorithms developed to predict the effect of missense changes on protein structure and function are either unavailable or do not agree on the potential impact of this missense change (SIFT: "Tolerated"; PolyPhen-2: "Possibly Damaging"; Align-GVGD: "Class C0"). In summary, the available evidence is currently insufficient to determine the role of this variant in disease. Therefore, it has been classified as a Variant of Uncertain Significance.

GeneDx
Classification: Uncertain significance. Last evaluated: 2020-01-23. Review status: criteria provided, single submitter. Criteria: GeneDx Variant Classification Process June 2021. Collection method: clinical testing. Allele origin: germline. Affected: yes.
Comment: Not observed in large population cohorts (Lek et al., 2016); In silico analysis, which includes protein predictors and evolutionary conservation, supports that this variant does not alter protein structure/function; Has not been previously published as pathogenic or benign to our knowledge

Ambry Genetics
Classification: Uncertain significance for Inborn genetic diseases. Last evaluated: 2017-02-24. Review status: criteria provided, single submitter. Criteria: Ambry Variant Classification Scheme 2023. Collection method: clinical testing. Allele origin: germline.
Comment: The p.R224G variant (also known as c.670C>G), located in coding exon 6 of the SZT2 gene, results from a C to G substitution at nucleotide position 670. The arginine at codon 224 is replaced by glycine, an amino acid with dissimilar properties. This amino acid position is highly conserved in available vertebrate species. In addition, this alteration is predicted to be tolerated by in silico analysis. Since supporting evidence is limited at this time, the clinical significance of this alteration remains unclear.

NM_001365999.1(SZT2):c.670C>G (p.Arg224Gly)

Gene: SZT2 (SZT2 subunit of KICSTOR complex; plus strand). Cytogenetic location: 1p34.2.
Variant type: single nucleotide variant.
Coding change: c.670C>G on transcript NM_001365999.1 (MANE Select); coding-DNA position 670, C replaced by G.
Protein change: p.Arg224Gly; replaces arginine 224 with glycine.
Molecular consequence: missense variant.
Genome position (GRCh38, 1-based): chr1:43,415,999, C>G. VCF-style: chr1-43415999-C-G. GRCh37 (hg19) VCF-style: chr1-43881670-C-G.
Other names: c.670C>G, p.Arg224Gly (NM_015284.4); short protein forms R224G.
Identifiers: ClinVar variation 588750 (VCV000588750.14), dbSNP rs930525688, ClinGen allele CA340002000.